The following is an entry in ClinVar:

NM_017636.4(TRPM4):c.1690C>T (p.Leu564Phe)

Gene: TRPM4 (transient receptor potential cation channel subfamily M member 4; plus strand). Cytogenetic location: 19q13.33.
Variant type: single nucleotide variant.
Coding change: c.1690C>T on transcript NM_017636.4 (MANE Select); coding-DNA position 1690, C replaced by T.
Protein change: p.Leu564Phe; replaces leucine 564 with phenylalanine.
Molecular consequence: missense variant.
Genome position (GRCh38, 1-based): chr19:49,183,159, C>T. VCF-style: chr19-49183159-C-T. GRCh37 (hg19) VCF-style: chr19-49686416-C-T.
Other names: c.1690C>T, p.Leu564Phe (NM_001195227.2); c.1345C>T, p.Leu449Phe (NM_001321281.2); c.82C>T, p.Leu28Phe (NM_001321282.2); c.1168C>T, p.Leu390Phe (NM_001321283.2); c.628C>T, p.Leu210Phe (NM_001321285.2); short protein forms L564F, L210F, L390F, L28F, L449F.
Identifiers: ClinVar variation 488177 (VCV000488177.2), dbSNP rs201994425, ClinGen allele CA309443569.

ClinVar aggregate classification (germline): Uncertain significance. Review status: criteria provided, multiple submitters, no conflicts (2 of 4 stars). 2 submissions from 2 submitters: Uncertain significance (2). Last evaluated 2024-08-28.

Conditions:
Cardiovascular phenotype. Identifiers: MedGen CN230736.
Brugada syndrome. Also called: Sudden unexplained nocturnal death syndrome; Sudden Unexplained Death Syndrome; Sudden Unexplained Nocturnal Death Syndrome (SUNDS); Sudden unexpected nocturnal death syndrome. Identifiers: Orphanet 130, MedGen C1142166, MONDO:0015263.

Allele frequency attached by ClinVar (database versions not stated): gnomAD exomes below 0.00001 and 0.00001; gnomAD 0.00001; 1000 Genomes Project 30x 0.00016; 1000 Genomes Project 0.00020.
gnomAD v4.1: 8 of 1,614,132 alleles (0.0005%); highest among the groups gnomAD compares: Admixed American, 0.0083%; no homozygotes.

Submissions (2):

Ambry Genetics
Classification: Uncertain significance for Cardiovascular phenotype. Last evaluated: 2024-08-28. Review status: criteria provided, single submitter. Criteria: Ambry Variant Classification Scheme 2023. Collection method: clinical testing. Allele origin: germline.
Comment: The p.L564F variant (also known as c.1690C>T), located in coding exon 12 of the TRPM4 gene, results from a C to T substitution at nucleotide position 1690. The leucine at codon 564 is replaced by phenylalanine, an amino acid with highly similar properties. This amino acid position is conserved. In addition, this alteration is predicted to be tolerated by in silico analysis. Based on the available evidence, the clinical significance of this variant remains unclear.

Phosphorus, Inc.
Classification: Uncertain significance for Brugada syndrome. Last evaluated: 2017-08-01. Review status: criteria provided, single submitter. Criteria: ACMG Guidelines, 2015. Collection method: clinical testing. Allele origin: germline. Observed: 1 variant allele.